The following is an entry in ClinVar:

NM_000548.5(TSC2):c.3364C>T (p.Arg1122Cys)

Gene: TSC2 (TSC complex subunit 2; plus strand). Cytogenetic location: 16p13.3.
Variant type: single nucleotide variant.
Coding change: c.3364C>T on transcript NM_000548.5 (MANE Select); coding-DNA position 3364, C replaced by T.
Protein change: p.Arg1122Cys; replaces arginine 1122 with cysteine.
Molecular consequence: missense variant.
Genome position (GRCh38, 1-based): chr16:2,079,636, C>T. VCF-style: chr16-2079636-C-T. GRCh37 (hg19) VCF-style: chr16-2129637-C-T.
Other names: c.3232C>T, p.Arg1078Cys (NM_001077183.3, NM_001370404.1); c.3364C>T, p.Arg1122Cys (NM_001114382.3); c.3124C>T, p.Arg1042Cys (NM_001318827.2); c.3088C>T, p.Arg1030Cys (NM_001318829.2); c.2632C>T, p.Arg878Cys (NM_001318831.2); c.3265C>T, p.Arg1089Cys (NM_001318832.2); c.3235C>T, p.Arg1079Cys (NM_001363528.2, NM_001370405.1, NM_021055.3); c.3364C>T (NM_000548.4); short protein forms R1122C, R1042C, R1030C, R878C, R1079C, R1089C, R1078C.
Identifiers: ClinVar variation 64919 (VCV000064919.21), dbSNP rs397514938, ClinGen allele CA019006.

ClinVar aggregate classification (germline): Benign/Likely benign. Review status: criteria provided, multiple submitters, no conflicts (2 of 4 stars). 9 submissions from 9 submitters: Benign (4); Likely benign (4). 1 of the submissions does not count toward it. Last evaluated 2026-01-07.

Conditions:
TSC2-related disorder. Also called: TSC2-Related Disorders; TSC2-related condition.
Hereditary cancer-predisposing syndrome. Also called: Hereditary Cancer Syndrome; Neoplastic Syndromes, Hereditary; Hereditary neoplastic syndrome; Tumor predisposition. Identifiers: Orphanet 140162, MedGen C0027672, MeSH D009386, MONDO:0015356.
Tuberous sclerosis syndrome (TSC). Also called: Tuberous Sclerosis Complex; Tuberous sclerosis. Identifiers: Orphanet 805, MedGen C0041341, MONDO:0001734.
Tuberous sclerosis 2 (TSC2). Identifiers: Orphanet 805, MedGen C1860707, MONDO:0013199, OMIM 613254.

Allele frequency attached by ClinVar (database versions not stated): TOPMed 0.00004; gnomAD 0.00007 and 0.00008; gnomAD exomes 0.00007; ExAC 0.00008.

Submissions (9):

Labcorp Genetics (formerly Invitae), Labcorp
Classification: Benign for Tuberous sclerosis 2. Last evaluated: 2026-01-07. Review status: criteria provided, single submitter. Criteria: Invitae Variant Classification Sherloc (09022015). Collection method: clinical testing. Allele origin: germline.

PreventionGenetics, part of Exact Sciences
Classification: Likely benign for TSC2-related condition. Last evaluated: 2025-08-16. Review status: criteria provided, single submitter. Criteria: ACMG Guidelines, 2015. Collection method: clinical testing. Allele origin: germline.
Comment: This variant is classified as likely benign based on ACMG/AMP sequence variant interpretation guidelines (Richards et al. 2015 PMID: 25741868, with internal and published modifications).

Myriad Genetics, Inc.
Classification: Likely benign for Tuberous sclerosis 2. Last evaluated: 2024-08-15. Review status: criteria provided, single submitter. Criteria: Myriad Autosomal Dominant, Autosomal Recessive and X-Linked Classification Criteria (2023). Collection method: clinical testing. Allele origin: unknown.
Comment: This variant is considered likely benign. This variant has been observed at a population frequency that is significantly greater than expected given the associated disease prevalence and penetrance.

Blueprint Genetics
Classification: Likely benign. Last evaluated: 2024-06-14. Review status: criteria provided, single submitter. Criteria: ACMG Guidelines, 2015. Collection method: clinical testing. Allele origin: germline.

Ambry Genetics
Classification: Benign for Hereditary cancer-predisposing syndrome. Last evaluated: 2022-10-06. Review status: criteria provided, single submitter. Criteria: Ambry Variant Classification Scheme 2023. Collection method: clinical testing. Allele origin: germline.

Color Diagnostics, LLC DBA Color Health
Classification: Benign for Tuberous sclerosis syndrome. Last evaluated: 2022-08-03. Review status: criteria provided, single submitter. Criteria: ACMG Guidelines, 2015. Collection method: clinical testing. Allele origin: germline.

Genome-Nilou Lab
Classification: Likely benign for Tuberous sclerosis 2. Last evaluated: 2021-11-07. Review status: criteria provided, single submitter. Criteria: ACMG Guidelines, 2015. Collection method: clinical testing. Allele origin: germline. Affected: no.

GeneDx
Classification: Benign. Last evaluated: 2018-01-03. Review status: criteria provided, single submitter. Criteria: GeneDx Variant Classification (06012015). Collection method: clinical testing. Allele origin: germline. Affected: yes.
Comment: This variant is considered likely benign or benign based on one or more of the following criteria: it is a conservative change, it occurs at a poorly conserved position in the protein, it is predicted to be benign by multiple in silico algorithms, and/or has population frequency not consistent with disease.

Tuberous sclerosis database (TSC2)
No classification provided. Condition: TSC. Review status: no classification provided. Criteria: Tuberous Sclerosis Database Assertion Criteria 2015. Collection method: curation. Allele origin: germline. Affected: yes. Not counted in ClinVar's aggregate classification.

Literature cited by the submitters: PubMed 21309039 (cited by Ambry Genetics); PubMed 29167182 (cited by Ambry Genetics).